The following is an entry in ClinVar:

NM_213599.3(ANO5):c.2551G>T (p.Ala851Ser)

Gene: ANO5 (anoctamin 5; plus strand). Cytogenetic location: 11p14.3.
Variant type: single nucleotide variant.
Coding change: c.2551G>T on transcript NM_213599.3 (MANE Select); coding-DNA position 2551, G replaced by T.
Protein change: p.Ala851Ser; replaces alanine 851 with serine.
Molecular consequence: missense variant.
Genome position (GRCh38, 1-based): chr11:22,279,574, G>T. VCF-style: chr11-22279574-G-T. GRCh37 (hg19) VCF-style: chr11-22301120-G-T.
Other names: c.2548G>T, p.Ala850Ser (NM_001142649.2); short protein forms A850S, A851S.
Identifiers: ClinVar variation 1326088 (VCV001326088.2), dbSNP rs2133810704, ClinGen allele CA379924906.

ClinVar aggregate classification (germline): Uncertain significance (1 of 4 stars; one submission).

Submission:

GeneDx
Classification: Uncertain significance. Last evaluated: 2021-05-21. Review status: criteria provided, single submitter. Criteria: GeneDx Variant Classification Process June 2021. Collection method: clinical testing. Allele origin: germline. Affected: yes.
Comment: Not observed at significant frequency in large population cohorts (Lek et al., 2016); In silico analysis supports that this missense variant does not alter protein structure/function; Has not been previously published as pathogenic or benign to our knowledge